The following is an entry in ClinVar:

ClinVar aggregate classification (germline): Uncertain significance (1 of 4 stars; one submission).

Allele frequency attached by ClinVar (database versions not stated): gnomAD 0.00001.
gnomAD v4.1: 2 of 1,605,366 alleles (0.00012%); highest among the groups gnomAD compares: African/African-American, 0.0027%; no homozygotes.

Submission:

Labcorp Genetics (formerly Invitae), Labcorp
Classification: Uncertain significance. Last evaluated: 2022-08-08. Review status: criteria provided, single submitter. Criteria: Invitae Variant Classification Sherloc (09022015). Collection method: clinical testing. Allele origin: germline.
Comment: This variant has not been reported in the literature in individuals affected with CACNA2D4-related conditions. This sequence change affects a donor splice site in intron 3 of the CACNA2D4 gene. It is expected to disrupt RNA splicing. Variants that disrupt the donor or acceptor splice site typically lead to a loss of protein function (PMID: 16199547), however the current clinical and genetic evidence is not sufficient to establish whether loss-of-function variants in CACNA2D4 cause disease. This variant is not present in population databases (gnomAD no frequency). Algorithms developed to predict the effect of sequence changes on RNA splicing suggest that this variant may disrupt the consensus splice site. In summary, the available evidence is currently insufficient to determine the role of this variant in disease. Therefore, it has been classified as a Variant of Uncertain Significance.

Literature cited by the submitters: PubMed 16199547.

NM_172364.5(CACNA2D4):c.426+1G>A

Gene: CACNA2D4 (calcium voltage-gated channel auxiliary subunit alpha2delta 4; minus strand). Cytogenetic location: 12p13.33.
Variant type: single nucleotide variant.
Coding change: c.426+1G>A on transcript NM_172364.5 (MANE Select); the canonical splice donor site of the intron after coding-DNA position 426, G replaced by A.
Molecular consequence: splice donor variant.
Genome position (GRCh38, 1-based): chr12:1,913,022, C>T on the plus strand (G>A on the coding strand, the complement: CACNA2D4 is on the minus strand). VCF-style: chr12-1913022-C-T. GRCh37 (hg19) VCF-style: chr12-2022188-C-T.
Identifiers: ClinVar variation 2022700 (VCV002022700.4), dbSNP rs767991383, ClinGen allele CA383364848.